The following is an entry in ClinVar:

ClinVar aggregate classification (germline): Conflicting classifications of pathogenicity. Review status: criteria provided, conflicting classifications (1 of 4 stars). 6 submissions from 6 submitters: Uncertain significance (2); Likely benign (3). 1 of the submissions does not count toward it. Last evaluated 2026-01-26.

Conditions:
Inborn genetic diseases. Identifiers: MedGen C0950123, MeSH D030342.
NDRG1-related disorder. Also called: NDRG1-related condition.
Charcot-Marie-Tooth disease type 4. Also called: Charcot-Marie-Tooth disease, type IV; Charcot-Marie-Tooth, Type 4. Identifiers: Orphanet 64749, MedGen C4082197, MONDO:0018995.

Allele frequency attached by ClinVar (database versions not stated): gnomAD 0.00011; TOPMed 0.00013; ESP Exome Variant Server 0.00015.
gnomAD v4.1: 162 of 1,614,070 alleles (0.01%); highest among the groups gnomAD compares: Middle Eastern, 0.18%; 1 homozygote.

Submissions (6):

Labcorp Genetics (formerly Invitae), Labcorp
Classification: Likely benign for Charcot-Marie-Tooth disease type 4. Last evaluated: 2026-01-26. Review status: criteria provided, single submitter. Criteria: Invitae Variant Classification Sherloc (09022015). Collection method: clinical testing. Allele origin: germline.

Women's Health and Genetics/Laboratory Corporation of America, LabCorp
Classification: Likely benign. Last evaluated: 2025-09-17. Review status: criteria provided, single submitter. Criteria: LabCorp Variant Classification Summary - May 2015. Collection method: clinical testing. Allele origin: germline.
Comment: Variant summary: NDRG1 c.660C>A (p.Asn220Lys) results in a non-conservative amino acid change in the encoded protein sequence. Algorithms developed to predict the effect of missense changes on protein structure and function are either unavailable or do not agree on the potential impact of this missense change. The variant allele was found at a frequency of 0.0001 in 1614070 control chromosomes, predominantly at a frequency of 0.0035 within the Ashkenazi Jewish subpopulation in the gnomAD database (v4.1 dataset). The observed variant frequency within Ashkenazi Jewish control individuals in the gnomAD database exceeds the estimated maximal expected allele frequency for disease-causing variants in NDRG1. To our knowledge, no occurrence of c.660C>A in individuals affected with NDRG1-related conditions and no experimental evidence demonstrating its impact on protein function have been reported. ClinVar contains an entry for this variant (Variation ID: 426529). Based on the evidence outlined above, the variant was classified as likely benign.

GeneDx
Classification: Uncertain significance. Last evaluated: 2024-08-22. Review status: criteria provided, single submitter. Criteria: GeneDx Variant Classification Process June 2021. Collection method: clinical testing. Allele origin: germline. Affected: yes.
Comment: In silico analysis supports that this missense variant has a deleterious effect on protein structure/function; Has not been previously published as pathogenic or benign to our knowledge

Ambry Genetics
Classification: Likely benign for Inborn genetic diseases. Last evaluated: 2024-01-23. Review status: criteria provided, single submitter. Criteria: Ambry Variant Classification Scheme 2023. Collection method: clinical testing. Allele origin: germline.

Blueprint Genetics
Classification: Uncertain significance. Last evaluated: 2023-12-21. Review status: criteria provided, single submitter. Criteria: ACMG Guidelines, 2015. Collection method: clinical testing. Allele origin: germline.

PreventionGenetics, part of Exact Sciences
Classification: Likely benign for NDRG1-related condition. Last evaluated: 2024-08-07. Review status: no assertion criteria provided. Collection method: clinical testing. Allele origin: germline. Not counted in ClinVar's aggregate classification.
Comment: This variant is classified as likely benign based on ACMG/AMP sequence variant interpretation guidelines (Richards et al. 2015 PMID: 25741868, with internal and published modifications).

Literature cited by the submitters: PubMed 28518168 (cited by Ambry Genetics); PubMed 32461654 (cited by Ambry Genetics).

NM_006096.4(NDRG1):c.660C>A (p.Asn220Lys)

Gene: NDRG1 (N-myc downstream regulated 1; minus strand). Cytogenetic location: 8q24.22.
Variant type: single nucleotide variant.
Coding change: c.660C>A on transcript NM_006096.4 (MANE Select); coding-DNA position 660, C replaced by A.
Protein change: p.Asn220Lys; replaces asparagine 220 with lysine.
Molecular consequence: missense variant.
Genome position (GRCh38, 1-based): chr8:133,250,478, G>T on the plus strand (C>A on the coding strand, the complement: NDRG1 is on the minus strand). VCF-style: chr8-133250478-G-T. GRCh37 (hg19) VCF-style: chr8-134262721-G-T.
Other names: c.660C>A, p.Asn220Lys (NM_001135242.2, NM_001374845.1, NM_001374846.1); c.462C>A, p.Asn154Lys (NM_001258432.2, NM_001374847.1); c.417C>A, p.Asn139Lys (NM_001258433.2); c.711C>A, p.Asn237Lys (NM_001374844.1); short protein forms N220K, N139K, N154K, N237K.
Identifiers: ClinVar variation 426529 (VCV000426529.18), dbSNP rs143549909, ClinGen allele CA4886650.
Genomic context (GRCh38, chr8:133,250,478, plus strand): 5'-TGGCTGAACTACATCCCAATACCTGTTGTAGGCATTGATGAACAGGTGCAGGTTGCCGGG[G>T]TTCATGTCATTCACAATGTGCTGGCGGTAGGTGTGGACCACTTCCACGTTACTCTGCATT-3'
Protein context (NP_006087.2, residues 210-230): TYRQHIVNDM[Asn220Lys]PGNLHLFINA